The following is an entry in ClinVar:

NM_199242.3(UNC13D):c.2047G>C (p.Glu683Gln)

Gene: UNC13D (unc-13 homolog D; minus strand). Cytogenetic location: 17q25.1.
Variant type: single nucleotide variant.
Coding change: c.2047G>C on transcript NM_199242.3 (MANE Select); coding-DNA position 2047, G replaced by C.
Protein change: p.Glu683Gln; replaces glutamic acid 683 with glutamine.
Molecular consequence: missense variant.
Genome position (GRCh38, 1-based): chr17:75,834,662, C>G on the plus strand (G>C on the coding strand, the complement: UNC13D is on the minus strand). VCF-style: chr17-75834662-C-G. GRCh37 (hg19) VCF-style: chr17-73830743-C-G.
Other names: c.2047G>C (NM_199242.2); short protein forms E683Q.
Identifiers: ClinVar variation 1427116 (VCV001427116.7), dbSNP rs766154876, ClinGen allele CA8772685.

ClinVar aggregate classification (germline): Uncertain significance. Review status: criteria provided, multiple submitters, no conflicts (2 of 4 stars). 2 submissions from 2 submitters: Uncertain significance (2). Last evaluated 2025-08-15.

Conditions:
Familial hemophagocytic lymphohistiocytosis 3 (FHL3). Also called: UNC13D-Related Familial Hemophagocytic Lymphohistiocytosis (UNC13D-fHLH). Identifiers: Orphanet 540, MedGen C1837174, MONDO:0012146, OMIM 608898.
Inborn genetic diseases. Identifiers: MedGen C0950123, MeSH D030342.

Allele frequency attached by ClinVar (database versions not stated): gnomAD 0.00001; ExAC 0.00002.
gnomAD v4.1: 13 of 1,613,566 alleles (0.00081%); highest among the groups gnomAD compares: South Asian, 0.012%; no homozygotes.

Submissions (2):

Labcorp Genetics (formerly Invitae), Labcorp
Classification: Uncertain significance for Familial hemophagocytic lymphohistiocytosis 3. Last evaluated: 2025-08-15. Review status: criteria provided, single submitter. Criteria: Invitae Variant Classification Sherloc (09022015). Collection method: clinical testing. Allele origin: germline.
Comment: This sequence change replaces glutamic acid, which is acidic and polar, with glutamine, which is neutral and polar, at codon 683 of the UNC13D protein (p.Glu683Gln). This variant is present in population databases (rs766154876, gnomAD 0.01%). This variant has not been reported in the literature in individuals affected with UNC13D-related conditions. ClinVar contains an entry for this variant (Variation ID: 1427116). Invitae Evidence Modeling of protein sequence and biophysical properties (such as structural, functional, and spatial information, amino acid conservation, physicochemical variation, residue mobility, and thermodynamic stability) indicates that this missense variant is not expected to disrupt UNC13D protein function with a negative predictive value of 80%. In summary, the available evidence is currently insufficient to determine the role of this variant in disease. Therefore, it has been classified as a Variant of Uncertain Significance.

Ambry Genetics
Classification: Uncertain significance for Inborn genetic diseases. Last evaluated: 2025-08-12. Review status: criteria provided, single submitter. Criteria: Ambry Variant Classification Scheme 2023. Collection method: clinical testing. Allele origin: germline.